The following is an entry in ClinVar:

ClinVar aggregate classification (germline): Uncertain significance. Review status: criteria provided, multiple submitters, no conflicts (2 of 4 stars). 2 submissions from 2 submitters: Uncertain significance (2). Last evaluated 2023-01-26.

Allele frequency attached by ClinVar (database versions not stated): gnomAD exomes 0.00001.

Submissions (2):

Ambry Genetics
Classification: Uncertain significance. Last evaluated: 2023-01-26. Review status: criteria provided, single submitter. Criteria: Ambry Variant Classification Scheme 2023. Collection method: clinical testing. Allele origin: germline.

Labcorp Genetics (formerly Invitae), Labcorp
Classification: Uncertain significance. Last evaluated: 2022-07-11. Review status: criteria provided, single submitter. Criteria: Invitae Variant Classification Sherloc (09022015). Collection method: clinical testing. Allele origin: germline.
Comment: In summary, the available evidence is currently insufficient to determine the role of this variant in disease. Therefore, it has been classified as a Variant of Uncertain Significance. Algorithms developed to predict the effect of missense changes on protein structure and function (SIFT, PolyPhen-2, Align-GVGD) all suggest that this variant is likely to be tolerated. This variant has not been reported in the literature in individuals affected with MOCS3-related conditions. This variant is present in population databases (no rsID available, gnomAD 0.009%). This sequence change replaces glycine, which is neutral and non-polar, with serine, which is neutral and polar, at codon 399 of the MOCS3 protein (p.Gly399Ser).

NM_014484.5(MOCS3):c.1195G>A (p.Gly399Ser)

Gene: MOCS3 (molybdenum cofactor synthesis 3; plus strand). Cytogenetic location: 20q13.13.
Variant type: single nucleotide variant.
Coding change: c.1195G>A on transcript NM_014484.5 (MANE Select); coding-DNA position 1195, G replaced by A.
Protein change: p.Gly399Ser; replaces glycine 399 with serine.
Molecular consequence: missense variant.
Genome position (GRCh38, 1-based): chr20:50,960,037, G>A. VCF-style: chr20-50960037-G-A. GRCh37 (hg19) VCF-style: chr20-49576574-G-A.
Other names: c.1195G>A (NM_014484.3); short protein forms G399S.
Identifiers: ClinVar variation 1921536 (VCV001921536.7), dbSNP rs1336811080, ClinGen allele CA408986608.